The following is an entry in ClinVar:

ClinVar aggregate classification (germline): Uncertain significance (1 of 4 stars; one submission).

Allele frequency attached by ClinVar (database versions not stated): TOPMed below 0.00001.

Submission:

GeneDx
Classification: Uncertain significance. Last evaluated: 2023-03-16. Review status: criteria provided, single submitter. Criteria: GeneDx Variant Classification Process June 2021. Collection method: clinical testing. Allele origin: germline. Affected: yes.
Comment: Not observed at significant frequency in large population cohorts (gnomAD); In silico analysis supports that this missense variant has a deleterious effect on protein structure/function; Has not been previously published as pathogenic or benign to our knowledge

NM_001458.5(FLNC):c.3016C>T (p.Pro1006Ser)

Gene: FLNC (filamin C; plus strand). Cytogenetic location: 7q32.1.
Variant type: single nucleotide variant.
Coding change: c.3016C>T on transcript NM_001458.5 (MANE Select); coding-DNA position 3016, C replaced by T.
Protein change: p.Pro1006Ser; replaces proline 1006 with serine.
Molecular consequence: missense variant.
Genome position (GRCh38, 1-based): chr7:128,844,090, C>T. VCF-style: chr7-128844090-C-T. GRCh37 (hg19) VCF-style: chr7-128484144-C-T.
Other names: c.3016C>T, p.Pro1006Ser (NM_001127487.2); short protein forms P1006S.
Identifiers: ClinVar variation 2579876 (VCV002579876.1), dbSNP rs1808454110, ClinGen allele CA369193965.